The following is an entry in ClinVar:

ClinVar aggregate classification (germline): Uncertain significance. Review status: criteria provided, multiple submitters, no conflicts (2 of 4 stars). 2 submissions from 2 submitters: Uncertain significance (2). Last evaluated 2023-12-13.

Conditions:
Inborn genetic diseases. Identifiers: MedGen C0950123, MeSH D030342.
Developmental and epileptic encephalopathy, 67. Also called: EPILEPTIC ENCEPHALOPATHY, EARLY INFANTILE, 67. Identifiers: MedGen C4748341, MONDO:0029138, OMIM 618141.

Allele frequency attached by ClinVar (database versions not stated): gnomAD exomes below 0.00001 and 0.00003; gnomAD 0.00001.
gnomAD v4.1: 3 of 1,343,852 alleles (0.00022%); highest among the groups gnomAD compares: East Asian, 0.0085%; no homozygotes.

Submissions (2):

Ambry Genetics
Classification: Uncertain significance for Inborn genetic diseases. Last evaluated: 2023-12-13. Review status: criteria provided, single submitter. Criteria: Ambry Variant Classification Scheme 2023. Collection method: clinical testing. Allele origin: germline.

New York Genome Center
Classification: Uncertain significance for Developmental and epileptic encephalopathy, 67. Last evaluated: 2021-02-24. Review status: criteria provided, single submitter. Criteria: NYGC Assertion Criteria 2020. Collection method: clinical testing. Allele origin: germline. Observed: 1 heterozygote. Study: CSER-NYCKidSeq.
Comment: The c.1267C>G, p.Pro423Ala missense variant identified in CUX2 has not been reported in the literature. This variant has twoheterozygotes in the gnomAD v3.1database, indicating this is a rare allele. In silico analysis predicts conflicting effect of pathogenicity [PMID:27268795] and the position is not strongly conserved (GERP++ = 4.8). Based on the available evidence, the missense variant c.1267C>G, p.Pro423Ala in the CUX2 gene is classified as a Variant of Uncertain Significance.

NM_015267.4(CUX2):c.1267C>G (p.Pro423Ala)

Gene: CUX2 (cut like homeobox 2; plus strand). Cytogenetic location: 12q24.12.
Variant type: single nucleotide variant.
Coding change: c.1267C>G on transcript NM_015267.4 (MANE Select); coding-DNA position 1267, C replaced by G.
Protein change: p.Pro423Ala; replaces proline 423 with alanine.
Molecular consequence: missense variant.
Genome position (GRCh38, 1-based): chr12:111,310,049, C>G. VCF-style: chr12-111310049-C-G. GRCh37 (hg19) VCF-style: chr12-111747853-C-G.
Other names: c.1081C>G, p.Pro361Ala (NM_001370598.1); c.1267C>G (NM_015267.3); short protein forms P361A, P423A.
Identifiers: ClinVar variation 1342335 (VCV001342335.2), dbSNP rs1381221552, ClinGen allele CA386708817.